The following is an entry in ClinVar:

ClinVar aggregate classification (germline): Uncertain significance (1 of 4 stars; one submission).

Conditions:
Immunodeficiency, common variable, 10. Also called: IMMUNODEFICIENCY, COMMON VARIABLE, WITH CENTRAL ADRENAL INSUFFICIENCY; DEFICIT IN ANTERIOR PITUITARY FUNCTION AND VARIABLE IMMUNODEFICIENCY. Identifiers: MedGen C3809991, MONDO:0014260, OMIM 615577.

gnomAD v4.1: 3 of 1,579,582 alleles (0.00019%); highest among the groups gnomAD compares: Admixed American, 0.0055%; no homozygotes.

Submission:

Labcorp Genetics (formerly Invitae), Labcorp
Classification: Uncertain significance for Immunodeficiency, common variable, 10. Last evaluated: 2024-04-17. Review status: criteria provided, single submitter. Criteria: Invitae Variant Classification Sherloc (09022015). Collection method: clinical testing. Allele origin: germline.
Comment: This sequence change replaces arginine, which is basic and polar, with lysine, which is basic and polar, at codon 845 of the NFKB2 protein (p.Arg845Lys). This variant is not present in population databases (gnomAD no frequency). This variant has not been reported in the literature in individuals affected with NFKB2-related conditions. Algorithms developed to predict the effect of missense changes on protein structure and function output the following: SIFT: "Not Available"; PolyPhen-2: "Benign"; Align-GVGD: "Not Available". The lysine amino acid residue is found in multiple mammalian species, which suggests that this missense change does not adversely affect protein function. In summary, the available evidence is currently insufficient to determine the role of this variant in disease. Therefore, it has been classified as a Variant of Uncertain Significance.

NM_001322934.2(NFKB2):c.2534G>A (p.Arg845Lys)

Gene: NFKB2 (nuclear factor kappa B subunit 2; plus strand). Cytogenetic location: 10q24.32.
Variant type: single nucleotide variant.
Coding change: c.2534G>A on transcript NM_001322934.2 (MANE Select); coding-DNA position 2534, G replaced by A.
Protein change: p.Arg845Lys; replaces arginine 845 with lysine.
Molecular consequence: missense variant.
Genome position (GRCh38, 1-based): chr10:102,402,115, G>A. VCF-style: chr10-102402115-G-A. GRCh37 (hg19) VCF-style: chr10-104161872-G-A.
Other names: c.2534G>A, p.Arg845Lys (NM_001077494.3, NM_001261403.3, NM_001288724.1 and 1 more transcripts); c.2408G>A, p.Arg803Lys (NM_001322935.1); short protein forms R845K, R803K.
Identifiers: ClinVar variation 3707633 (VCV003707633.2).